The following is an entry in ClinVar:

NM_000135.4(FANCA):c.3691C>T (p.His1231Tyr)

Gene: FANCA (FA complementation group A; minus strand). Cytogenetic location: 16q24.3.
Variant type: single nucleotide variant.
Coding change: c.3691C>T on transcript NM_000135.4 (MANE Select); coding-DNA position 3691, C replaced by T.
Protein change: p.His1231Tyr; replaces histidine 1231 with tyrosine.
Molecular consequence: missense variant.
Genome position (GRCh38, 1-based): chr16:89,742,874, G>A on the plus strand (C>T on the coding strand, the complement: FANCA is on the minus strand). VCF-style: chr16-89742874-G-A. GRCh37 (hg19) VCF-style: chr16-89809282-G-A.
Other names: c.3691C>T, p.His1231Tyr (NM_001286167.3); short protein forms H1231Y.
Identifiers: ClinVar variation 2738942 (VCV002738942.5), dbSNP rs756736443, ClinGen allele CA8251022.

ClinVar aggregate classification (germline): Uncertain significance. Review status: criteria provided, multiple submitters, no conflicts (2 of 4 stars). 3 submissions from 3 submitters: Uncertain significance (3). Last evaluated 2025-05-19.

Conditions:
Inborn genetic diseases. Identifiers: MedGen C0950123, MeSH D030342.
Fanconi anemia (FA). Also called: Fanconi's anemia. Identifiers: Orphanet 84, MedGen C0015625, MeSH D005199, MONDO:0019391.
Fanconi anemia complementation group A (FANCA). Also called: FANCA-Related Fanconi Anemia; Fanconi anemia, group A. Identifiers: Orphanet 84, MedGen C3469521, MONDO:0009215, OMIM 227650.

Allele frequency attached by ClinVar (database versions not stated): gnomAD exomes below 0.00001; ExAC 0.00001; gnomAD 0.00002.
gnomAD v4.1: 5 of 1,614,048 alleles (0.00031%); highest among the groups gnomAD compares: African/African-American, 0.0053%; no homozygotes.

Submissions (3):

Ambry Genetics
Classification: Uncertain significance for Inborn genetic diseases. Last evaluated: 2025-05-19. Review status: criteria provided, single submitter. Criteria: Ambry Variant Classification Scheme 2023. Collection method: clinical testing. Allele origin: germline.
Comment: The p.H1231Y variant (also known as c.3691C>T), located in coding exon 37 of the FANCA gene, results from a C to T substitution at nucleotide position 3691. The histidine at codon 1231 is replaced by tyrosine, an amino acid with similar properties. This amino acid position is conserved. In addition, this alteration is predicted to be tolerated by in silico analysis. Based on the available evidence, the clinical significance of this variant remains unclear.

St. Jude Molecular Pathology, St. Jude Children's Research Hospital
Classification: Uncertain significance for Fanconi anemia complementation group A. Last evaluated: 2025-02-05. Review status: criteria provided, single submitter. Criteria: St. Jude Assertion Criteria 2020. Collection method: clinical testing. Allele origin: germline.
Comment: The FANCA c.3691C>T (p.His1231Tyr) missense change has a maximum subpopulation frequency of 0.006% in gnomAD v2.1.1. The in silico tool REVEL predicts a benign effect on protein function, but to our knowledge this prediction has not been confirmed by functional studies. To our knowledge, this variant has not been reported in individuals with Fanconi anemia. In summary, the evidence currently available is insufficient to determine the clinical significance of this variant. It has therefore been classified as of uncertain significance.

Labcorp Genetics (formerly Invitae), Labcorp
Classification: Uncertain significance for Fanconi anemia. Last evaluated: 2024-09-08. Review status: criteria provided, single submitter. Criteria: Invitae Variant Classification Sherloc (09022015). Collection method: clinical testing. Allele origin: germline.
Comment: This sequence change replaces histidine, which is basic and polar, with tyrosine, which is neutral and polar, at codon 1231 of the FANCA protein (p.His1231Tyr). This variant is present in population databases (rs756736443, gnomAD 0.007%). This variant has not been reported in the literature in individuals affected with FANCA-related conditions. Invitae Evidence Modeling of protein sequence and biophysical properties (such as structural, functional, and spatial information, amino acid conservation, physicochemical variation, residue mobility, and thermodynamic stability) indicates that this missense variant is not expected to disrupt FANCA protein function with a negative predictive value of 80%. In summary, the available evidence is currently insufficient to determine the role of this variant in disease. Therefore, it has been classified as a Variant of Uncertain Significance.